The following is an entry in ClinVar:

ClinVar aggregate classification (germline): Uncertain significance (1 of 4 stars; one submission).

Allele frequency attached by ClinVar (database versions not stated): gnomAD exomes below 0.00001; TOPMed 0.00001.
gnomAD v4.1: 2 of 1,614,010 alleles (0.00012%); highest among the groups gnomAD compares: Non-Finnish European, 0.00017%; no homozygotes.

Submission:

Ambry Genetics
Classification: Uncertain significance. Last evaluated: 2023-05-15. Review status: criteria provided, single submitter. Criteria: Ambry Variant Classification Scheme 2023. Collection method: clinical testing. Allele origin: germline.
Comment: The p.R1624K variant (also known as c.4871G>A), located in coding exon 16 of the POLQ gene, results from a G to A substitution at nucleotide position 4871. The arginine at codon 1624 is replaced by lysine, an amino acid with highly similar properties. This amino acid position is conserved. In addition, this alteration is predicted to be tolerated by in silico analysis. Since supporting evidence is limited at this time, the clinical significance of this alteration remains unclear.

NM_199420.4(POLQ):c.4871G>A (p.Arg1624Lys)

Gene: POLQ (DNA polymerase theta; minus strand). Cytogenetic location: 3q13.33.
Variant type: single nucleotide variant.
Coding change: c.4871G>A on transcript NM_199420.4 (MANE Select); coding-DNA position 4871, G replaced by A.
Protein change: p.Arg1624Lys; replaces arginine 1624 with lysine.
Molecular consequence: missense variant.
Genome position (GRCh38, 1-based): chr3:121,488,060, C>T on the plus strand (G>A on the coding strand, the complement: POLQ is on the minus strand). VCF-style: chr3-121488060-C-T. GRCh37 (hg19) VCF-style: chr3-121206907-C-T.
Other names: short protein forms R1624K.
Identifiers: ClinVar variation 2560543 (VCV002560543.2), dbSNP rs1318281743, ClinGen allele CA354093477.